The following is an entry in ClinVar:

ClinVar aggregate classification (germline): Pathogenic (1 of 4 stars; one submission).

Submission:

GeneDx
Classification: Pathogenic. Last evaluated: 2024-11-06. Review status: criteria provided, single submitter. Criteria: GeneDx Variant Classification Process June 2021. Collection method: clinical testing. Allele origin: germline. Affected: yes.
Comment: Canonical splice site variant predicted to result in a null allele in a gene for which loss of function is a known mechanism of disease; Not observed at significant frequency in large population cohorts (gnomAD); Has not been previously published as pathogenic or benign to our knowledge

NM_001148.6(ANK2):c.2796+1G>A

Gene: ANK2 (ankyrin 2; plus strand). Cytogenetic location: 4q26.
Variant type: single nucleotide variant.
Coding change: c.2796+1G>A on transcript NM_001148.6 (MANE Select); the canonical splice donor site of the intron after coding-DNA position 2796, G replaced by A.
Molecular consequence: splice donor variant.
Genome position (GRCh38, 1-based): chr4:113,317,810, G>A. VCF-style: chr4-113317810-G-A. GRCh37 (hg19) VCF-style: chr4-114238966-G-A.
Other names: c.2901+1G>A (NM_001386174.1); c.2877+1G>A (NM_001386175.1); c.423+1G>A (NM_001354279.2, NM_001354282.2, NM_001354280.2 and 2 more transcripts); c.2781+1G>A (NM_001386186.2, NM_001386148.2); c.2583+1G>A (NM_001354269.3); c.2760+1G>A (NM_001386187.2); c.2754+1G>A (NM_001386147.1, NM_001354261.2); c.2739+1G>A (NM_001386160.1); and 17 more.
Identifiers: ClinVar variation 3898990 (VCV003898990.1).